The following is an entry in ClinVar:

ClinVar aggregate classification (germline): Likely benign (0 of 4 stars; one submission).

Conditions:
DMXL1-related disorder. Also called: DMXL1-related condition.

Allele frequency attached by ClinVar (database versions not stated): 1000 Genomes Project 0.00359; 1000 Genomes Project 30x 0.00406; ExAC 0.00599; gnomAD 0.00633; ESP Exome Variant Server 0.00723.

Submission:

PreventionGenetics, part of Exact Sciences
Classification: Likely benign for DMXL1-related condition. Last evaluated: 2019-04-29. Review status: no assertion criteria provided. Collection method: clinical testing. Allele origin: germline.
Comment: This variant is classified as likely benign based on ACMG/AMP sequence variant interpretation guidelines (Richards et al. 2015 PMID: 25741868, with internal and published modifications).

NM_001290321.3(DMXL1):c.6887-7G>A

Gene: DMXL1 (Dmx like 1; plus strand). Cytogenetic location: 5q23.1.
Variant type: single nucleotide variant.
Coding change: c.6887-7G>A on transcript NM_001290321.3 (MANE Select); 7 bases into the intron before coding-DNA position 6887, G replaced by A.
Molecular consequence: intron variant.
Genome position (GRCh38, 1-based): chr5:119,177,989, G>A. VCF-style: chr5-119177989-G-A. GRCh37 (hg19) VCF-style: chr5-118513684-G-A.
Other names: c.6887-7G>A (NM_001349240.2, NM_005509.6, NM_001349239.2 and 1 more transcripts); c.5900-7G>A (NM_001387938.1); c.6182-7G>A (NM_001387937.1); c.6695-7G>A (NM_001387934.1).
Identifiers: ClinVar variation 3055281 (VCV003055281.2), dbSNP rs79672042, ClinGen allele CA3380702.